The following is an entry in ClinVar:

NM_144687.4(NLRP12):c.1383G>C (p.Leu461Phe)

Gene: NLRP12 (NLR family pyrin domain containing 12; minus strand). Cytogenetic location: 19q13.42.
Variant type: single nucleotide variant.
Coding change: c.1383G>C on transcript NM_144687.4 (MANE Select); coding-DNA position 1383, G replaced by C.
Protein change: p.Leu461Phe; replaces leucine 461 with phenylalanine.
Molecular consequence: missense variant.
Genome position (GRCh38, 1-based): chr19:53,810,276, C>G on the plus strand (G>C on the coding strand, the complement: NLRP12 is on the minus strand). VCF-style: chr19-53810276-C-G. GRCh37 (hg19) VCF-style: chr19-54313530-C-G.
Other names: c.1383G>C, p.Leu461Phe (NM_001277126.2, NM_001277129.1); short protein forms L461F.
Identifiers: ClinVar variation 1374842 (VCV001374842.6), dbSNP rs752139831, ClinGen allele CA407413656.
Genomic context (GRCh38, chr19:53,810,276, plus strand): 5'-GAGGTCCTGCTCCTCAAATAGGATTTTCTGATTCCAGAGCCCATCTGCCGCCAAGGAGCA[C>G]AACCCTCTCTGGTTGGGTGGGGGCTGGAGGCGCGGGGCCCCCGGCTTGGGTTGCATCAGA-3'
Protein context (NP_653288.1, residues 451-471): RLQPPPNQRG[Leu461Phe]CSLAADGLWN

ClinVar aggregate classification (germline): Uncertain significance (1 of 4 stars; one submission).

Conditions:
Familial cold autoinflammatory syndrome 2 (FCAS2). Identifiers: Orphanet 247868, MedGen C2673198, MONDO:0012724, OMIM 611762.

Allele frequency attached by ClinVar (database versions not stated): gnomAD 0.00001.

Submission:

Labcorp Genetics (formerly Invitae), Labcorp
Classification: Uncertain significance for Familial cold autoinflammatory syndrome 2. Last evaluated: 2024-10-15. Review status: criteria provided, single submitter. Criteria: Invitae Variant Classification Sherloc (09022015). Collection method: clinical testing. Allele origin: germline.
Comment: This sequence change replaces leucine, which is neutral and non-polar, with phenylalanine, which is neutral and non-polar, at codon 461 of the NLRP12 protein (p.Leu461Phe). This variant is present in population databases (no rsID available, gnomAD 0.003%). This variant has not been reported in the literature in individuals affected with NLRP12-related conditions. ClinVar contains an entry for this variant (Variation ID: 1374842). Invitae Evidence Modeling of protein sequence and biophysical properties (such as structural, functional, and spatial information, amino acid conservation, physicochemical variation, residue mobility, and thermodynamic stability) has been performed for this missense variant. However, the output from this modeling did not meet the statistical confidence thresholds required to predict the impact of this variant on NLRP12 protein function. In summary, the available evidence is currently insufficient to determine the role of this variant in disease. Therefore, it has been classified as a Variant of Uncertain Significance.